The following is an entry in ClinVar:

ClinVar aggregate classification (germline): Likely pathogenic (1 of 4 stars; one submission).

Submission:

GeneDx
Classification: Likely pathogenic. Last evaluated: 2017-04-24. Review status: criteria provided, single submitter. Criteria: GeneDx Variant Classification (06012015). Collection method: clinical testing. Allele origin: germline. Affected: yes.
Comment: A variant that is likely pathogenic has been identified in the KCNT1 gene. The H499R variant has not been published as a pathogenic variant, nor has it been reported as a benign variant to our knowledge. It was not observed in approximately 6,500 individuals of European and African American ancestry in an external variant database, indicating it is not a common benign variant in these populations. This substitution occurs at a position that is conserved across species, and in silico analysis predicts this variant is probably damaging to the protein structure/function. However, the H499R variant is a conservative amino acid substitution, which is not likely to impact secondary protein structure as these residues share similar properties. Therefore, this variant is likely pathogenic; however, the possibility that it is benign cannot be excluded.

NM_020822.3(KCNT1):c.1496A>G (p.His499Arg)

Gene: KCNT1 (potassium sodium-activated channel subfamily T member 1; plus strand). Cytogenetic location: 9q34.3.
Variant type: single nucleotide variant.
Coding change: c.1496A>G on transcript NM_020822.3 (MANE Select); coding-DNA position 1496, A replaced by G.
Protein change: p.His499Arg; replaces histidine 499 with arginine.
Molecular consequence: missense variant.
Genome position (GRCh38, 1-based): chr9:135,768,923, A>G. VCF-style: chr9-135768923-A-G. GRCh37 (hg19) VCF-style: chr9-138660769-A-G.
Other names: c.1361A>G, p.His454Arg (NM_001272003.2); short protein forms H499R, H454R.
Identifiers: ClinVar variation 449802 (VCV000449802.2), dbSNP rs1554774362, ClinGen allele CA375505702.